The following is an entry in ClinVar:

NM_003070.5(SMARCA2):c.355+937G>A

Gene: SMARCA2 (SWI/SNF related BAF chromatin remodeling complex subunit ATPase 2; plus strand). Cytogenetic location: 9p24.3.
Variant type: single nucleotide variant.
Coding change: c.355+937G>A on transcript NM_003070.5 (MANE Select); 937 bases into the intron after coding-DNA position 355, G replaced by A.
Molecular consequence: intron variant.
Genome position (GRCh38, 1-based): chr9:2,034,018, G>A. VCF-style: chr9-2034018-G-A. GRCh37 (hg19) VCF-style: chr9-2034018-G-A.
Other names: c.355+937G>A (NM_139045.4, NM_001289397.2, NM_001289396.2).
Identifiers: ClinVar variation 3898506 (VCV003898506.7).

ClinVar aggregate classification (germline): Likely benign (1 of 4 stars; one submission).

gnomAD v4.1: 10 of 152,010 alleles (0.0066%); highest among the groups gnomAD compares: East Asian, 0.019%; no homozygotes.

Submission:

CeGaT Center for Human Genetics Tuebingen
Classification: Likely benign. Last evaluated: 2025-04-01. Review status: criteria provided, single submitter. Criteria: CeGaT Center For Human Genetics Tuebingen Variant Classification Criteria Version 2. Collection method: clinical testing. Allele origin: germline. Affected: yes. Observed: 1 variant allele.
Comment: SMARCA2: BP4, BP7